The following is an entry in ClinVar:

NM_002444.3(MSN):c.139C>A (p.Leu47Met)

Gene: MSN (moesin; plus strand). Cytogenetic location: Xq12.
Variant type: single nucleotide variant.
Coding change: c.139C>A on transcript NM_002444.3 (MANE Select); coding-DNA position 139, C replaced by A.
Protein change: p.Leu47Met; replaces leucine 47 with methionine.
Molecular consequence: missense variant.
Genome position (GRCh38, 1-based): chrX:65,727,856, C>A. VCF-style: chrX-65727856-C-A. GRCh37 (hg19) VCF-style: chrX-64947718-C-A.
Other names: NC_000023.10:g.64947718C>A; short protein forms L47M.
Identifiers: ClinVar variation 3338194 (VCV003338194.3).
Genomic context (GRCh38, chrX:65,727,856, plus strand): 5'-TTTGGTTTTCTCTTCTAGGTGGTGAAAACTATTGGCTTGAGGGAAGTTTGGTTCTTTGGT[C>A]TGCAGTACCAGGACACTAAAGGTTTCTCCACCTGGCTGAAACTCAATAAGAAGGTAACTG-3'
Protein context (NP_002435.1, residues 37-57): IGLREVWFFG[Leu47Met]QYQDTKGFST

ClinVar aggregate classification (germline): Uncertain significance (0 of 4 stars; one submission).

Conditions:
Autism (AUTS). Also called: Autistic disorder; Autistic disorder of childhood onset. Identifiers: MedGen C0004352, MeSH D001321, MONDO:0005260, OMIM 209850, HP:0000717.

Submissions (3):

Centre for Addiction & Mental Health
Classification: Uncertain significance for Autism. Review status: no assertion criteria provided. Collection method: research. Allele origin: maternal. Affected: yes. Observed: 1 hemizygote. Segregation with disease observed.
Comment: Gene not previously associated with disease; independent supportng evidence needed

Dr. Peter K. Rogan Lab, Western University
No classification provided (evidence only). Condition: Thyroid cancer, nonmedullary, 1. Review status: no classification provided. Collection method: in vitro. Allele origin: not applicable. Functional consequence: skipped exon. Not counted in ClinVar's aggregate classification.

Dr. Peter K. Rogan Lab, Western University
No classification provided (evidence only). Condition: Thyroid cancer, nonmedullary, 1. Review status: no classification provided. Collection method: in vitro. Allele origin: not applicable. Functional consequence: skipped exon. Not counted in ClinVar's aggregate classification.